The following is an entry in ClinVar:

ClinVar aggregate classification (germline): Likely benign. Review status: criteria provided, multiple submitters, no conflicts (2 of 4 stars). 3 submissions from 3 submitters: Likely benign (3). Last evaluated 2026-01-25.

Conditions:
Cardiovascular phenotype. Identifiers: MedGen CN230736.

gnomAD v4.1: 33 of 1,613,486 alleles (0.002%); highest among the groups gnomAD compares: Middle Eastern, 0.016%; no homozygotes.

Submissions (3):

Labcorp Genetics (formerly Invitae), Labcorp
Classification: Likely benign. Last evaluated: 2026-01-25. Review status: criteria provided, single submitter. Criteria: Invitae Variant Classification Sherloc (09022015). Collection method: clinical testing. Allele origin: germline.

CeGaT Center for Human Genetics Tuebingen
Classification: Likely benign. Last evaluated: 2024-05-01. Review status: criteria provided, single submitter. Criteria: CeGaT Center For Human Genetics Tuebingen Variant Classification Criteria Version 2. Collection method: clinical testing. Allele origin: germline. Affected: yes. Observed: 1 variant allele.
Comment: TNXB: BP4, BP7

Ambry Genetics
Classification: Likely benign for Cardiovascular phenotype. Last evaluated: 2021-10-26. Review status: criteria provided, single submitter. Criteria: Ambry Variant Classification Scheme 2023. Collection method: clinical testing. Allele origin: germline.

NM_001365276.2(TNXB):c.555G>A (p.Gly185=)

Gene: TNXB (tenascin XB; minus strand). Cytogenetic location: 6p21.33.
Variant type: single nucleotide variant.
Coding change: c.555G>A on transcript NM_001365276.2 (MANE Select); coding-DNA position 555, G replaced by A.
Protein change: p.Gly185=; no amino-acid change (glycine 185 retained).
Molecular consequence: synonymous variant.
Genome position (GRCh38, 1-based): chr6:32,097,298, C>T on the plus strand (G>A on the coding strand, the complement: TNXB is on the minus strand). VCF-style: chr6-32097298-C-T. GRCh37 (hg19) VCF-style: chr6-32065075-C-T.
Other names: c.555G>A, p.Gly185= (NM_019105.8).
Identifiers: ClinVar variation 1748292 (VCV001748292.22), dbSNP rs761059304, ClinGen allele CA3735827.